The following is an entry in ClinVar:

ClinVar aggregate classification (germline): Pathogenic. Review status: criteria provided, multiple submitters, no conflicts (2 of 4 stars). 2 submissions from 2 submitters: Pathogenic (2). Last evaluated 2024-10-04.

Conditions:
Autosomal recessive limb-girdle muscular dystrophy type 2A (LGMDR1). Also called: Limb-girdle muscular dystrophy, type 2A; Muscular dystrophy, limb-girdle, type 2A, Amish; LEYDEN-MOEBIUS MUSCULAR DYSTROPHY; MUSCULAR DYSTROPHY, PELVOFEMORAL; Calpainopathy. Identifiers: Orphanet 267, MedGen C1869123, MONDO:0009675, OMIM 253600. Disease mechanism: loss of function.
Autosomal recessive limb-girdle muscular dystrophy. Identifiers: Orphanet 102015, MedGen C2931907, MONDO:0015152.

gnomAD v4.1: 3 of 1,614,190 alleles (0.00019%); highest among the groups gnomAD compares: Non-Finnish European, 0.00025%; no homozygotes.

Submissions (2):

Women's Health and Genetics/Laboratory Corporation of America, LabCorp
Classification: Pathogenic for Autosomal recessive limb-girdle muscular dystrophy. Last evaluated: 2024-10-04. Review status: criteria provided, single submitter. Criteria: LabCorp Variant Classification Summary - May 2015. Collection method: clinical testing. Allele origin: germline.
Comment: Variant summary: CAPN3 c.291C>A (p.Phe97Leu) results in a non-conservative amino acid change located in the Peptidase C2, calpain, catalytic domain (IPR001300) of the encoded protein sequence. Three of five in-silico tools predict a benign effect of the variant on protein function. The variant was absent in 248996 control chromosomes. c.291C>A has been reported in the literature in the homozygous state in at least 2 individuals affected with Limb-Girdle Muscular Dystrophy, Autosomal Recessive (example, El-Khoury_2019, Mojbafan_2020). These data indicate that the variant is likely to be associated with disease. At least one publication reports experimental evidence evaluating an impact on protein function. The most pronounced variant effect results in complete loss of detectable calpain 3 protein (example, El-Khoury_2019). The following publications have been ascertained in the context of this evaluation (PMID: 30500922, 31937337). ClinVar contains an entry for this variant (Variation ID: 548137). Based on the evidence outlined above, the variant was classified as pathogenic.

Neuromuscular Diagnostic Laboratory, American University of Beirut Medical Center
Classification: Pathogenic for Autosomal recessive limb-girdle muscular dystrophy type 2A. Last evaluated: 2017-07-15. Review status: criteria provided, single submitter. Criteria: ACMG Guidelines, 2015. Collection method: research. Allele origin: inherited. Inheritance: Autosomal recessive inheritance. Affected: yes. Observed: 1 variant allele, 1 homozygote.
Comment: The diagnosis of LGMD2A was first suspected on the basis of a typical clinical localization of the muscle weakness and further confirmed by immunoblotting and molecular analysis.

Literature cited by the submitters: PubMed 31937337 (cited by Women's Health and Genetics/Laboratory Corporation of America, LabCorp); PubMed 30500922 (cited by Women's Health and Genetics/Laboratory Corporation of America, LabCorp).

NM_000070.3(CAPN3):c.291C>A (p.Phe97Leu)

Gene: CAPN3 (calpain 3; plus strand). Cytogenetic location: 15q15.1.
Variant type: single nucleotide variant.
Coding change: c.291C>A on transcript NM_000070.3 (MANE Select); coding-DNA position 291, C replaced by A.
Protein change: p.Phe97Leu; replaces phenylalanine 97 with leucine.
Molecular consequence: missense variant.
Genome position (GRCh38, 1-based): chr15:42,360,096, C>A. VCF-style: chr15-42360096-C-A. GRCh37 (hg19) VCF-style: chr15-42652294-C-A.
Other names: c.291C>A, p.Phe97Leu (NM_024344.2, NM_173087.2); short protein forms F97L.
Identifiers: ClinVar variation 548137 (VCV000548137.4), dbSNP rs758058910, ClinGen allele CA391995269.
Genomic context (GRCh38, chr15:42,360,096, plus strand): 5'-CCCTGAGTTCCCACCGGATGAGACCTCTCTCTTTTATAGCCAGAAGTTCCCCATCCAGTT[C>A]GTCTGGAAGAGACCTCCGGTGAGTAGCTTCCTGCTTGCTGGCTGGGTTTTCCCCCCACGG-3'
Protein context (NP_000061.1, residues 87-107): LFYSQKFPIQ[Phe97Leu]VWKRPPEICE